The following is an entry in ClinVar:

ClinVar aggregate classification (germline): Uncertain significance (1 of 4 stars; one submission).

Conditions:
Neuropathy, hereditary sensory and autonomic, type 2A (HSAN2A). Also called: ACROOSTEOLYSIS, GIACCAI TYPE; ACROOSTEOLYSIS, NEUROGENIC; MORVAN DISEASE; NEUROPATHY, CONGENITAL SENSORY; NEUROPATHY, HEREDITARY SENSORY RADICULAR, AUTOSOMAL RECESSIVE; NEUROPATHY, HEREDITARY SENSORY, TYPE IIA. Identifiers: Orphanet 970, MedGen C2752089, MONDO:0024309, OMIM 201300.
Generalized epilepsy with febrile seizures plus, type 7 (GEFSP7). Also called: GEFS+, TYPE 7. Identifiers: Orphanet 36387, MedGen C2751778, MONDO:0013470, OMIM 613863.

Allele frequency attached by ClinVar (database versions not stated): gnomAD exomes below 0.00001.
gnomAD v4.1: 2 of 1,612,526 alleles (0.00012%); highest among the groups gnomAD compares: Non-Finnish European, 0.00017%; no homozygotes.

Submission:

Labcorp Genetics (formerly Invitae), Labcorp
Classification: Uncertain significance for Neuropathy, hereditary sensory and autonomic, type 2A; Generalized epilepsy with febrile seizures plus, type 7. Last evaluated: 2025-06-27. Review status: criteria provided, single submitter. Criteria: Invitae Variant Classification Sherloc (09022015). Collection method: clinical testing. Allele origin: germline.
Comment: This sequence change replaces threonine, which is neutral and polar, with arginine, which is basic and polar, at codon 1118 of the SCN9A protein (p.Thr1118Arg). This variant is not present in population databases (gnomAD no frequency). This variant has not been reported in the literature in individuals affected with SCN9A-related conditions. ClinVar contains an entry for this variant (Variation ID: 2951779). Invitae Evidence Modeling of protein sequence and biophysical properties (such as structural, functional, and spatial information, amino acid conservation, physicochemical variation, residue mobility, and thermodynamic stability) indicates that this missense variant is not expected to disrupt SCN9A protein function with a negative predictive value of 95%. In summary, the available evidence is currently insufficient to determine the role of this variant in disease. Therefore, it has been classified as a Variant of Uncertain Significance.

NM_001365536.1(SCN9A):c.3386C>G (p.Thr1129Arg)

Genes: SCN9A (sodium voltage-gated channel alpha subunit 9; minus strand), SCN1A-AS1 (SCN1A and SCN9A antisense RNA 1; plus strand). Cytogenetic location: 2q24.3.
Variant type: single nucleotide variant.
Coding change: c.3386C>G on transcript NM_001365536.1 (MANE Select); coding-DNA position 3386, C replaced by G.
Protein change: p.Thr1129Arg; replaces threonine 1129 with arginine.
Molecular consequence: missense variant. On other transcripts: non-coding transcript variant (1).
Genome position (GRCh38, 1-based): chr2:166,251,851, G>C on the plus strand (C>G on the coding strand, the complement: SCN9A is on the minus strand). VCF-style: chr2-166251851-G-C. GRCh37 (hg19) VCF-style: chr2-167108361-G-C.
Other names: c.3353C>G, p.Thr1118Arg (NM_002977.4); short protein forms T1118R, T1129R.
Identifiers: ClinVar variation 2951779 (VCV002951779.3), dbSNP rs2467904537, ClinGen allele CA349072064.
Genomic context (GRCh38, chr2:166,251,851, plus strand): 5'-TCGGAATTCATAGGTTCAGCCTCTGCTTCTTCTCCTTCTCCAGGCAAAGGGTTATCAACT[G>C]TGCTGCACTCTGAGGAGCTTGACCGGTTTAATCTCTAGAAAGGAATTCACCACCCCACCA-3'
Protein context (NP_001352465.1, residues 1119-1139): LNRSSSSECS[Thr1129Arg]VDNPLPGEGE